The following is an entry in ClinVar:

NM_025243.4(SLC19A3):c.892T>G (p.Tyr298Asp)

Gene: SLC19A3 (solute carrier family 19 member 3; minus strand). Cytogenetic location: 2q36.3.
Variant type: single nucleotide variant.
Coding change: c.892T>G on transcript NM_025243.4 (MANE Select); coding-DNA position 892, T replaced by G.
Protein change: p.Tyr298Asp; replaces tyrosine 298 with aspartic acid.
Molecular consequence: missense variant.
Genome position (GRCh38, 1-based): chr2:227,698,823, A>C on the plus strand (T>G on the coding strand, the complement: SLC19A3 is on the minus strand). VCF-style: chr2-227698823-A-C. GRCh37 (hg19) VCF-style: chr2-228563539-A-C.
Other names: c.892T>G, p.Tyr298Asp (NM_001371411.1, NM_001371412.1); c.880T>G, p.Tyr294Asp (NM_001371413.1, NM_001371414.1); short protein forms Y298D, Y294D.
Identifiers: ClinVar variation 1401138 (VCV001401138.9), dbSNP rs2106328613, ClinGen allele CA350876235.

ClinVar aggregate classification (germline): Uncertain significance. Review status: criteria provided, multiple submitters, no conflicts (2 of 4 stars). 2 submissions from 2 submitters: Uncertain significance (2). Last evaluated 2021-01-15.

Conditions:
Biotin-responsive basal ganglia disease (BTBGD). Also called: THIAMINE METABOLISM DYSFUNCTION SYNDROME 2 (BIOTIN- AND THIAMINE-RESPONSIVE TYPE); Thiamine metabolism dysfunction syndrome 2 (biotin- or thiamine-responsive encephalopathy type 2); thiamine-responsive encephalopathy; Thiamine metabolism dysfunction syndrome type 2; Thiamine Transporter-2 Deficiency. Identifiers: Orphanet 199348, Orphanet 65284, MedGen C1843807, MONDO:0011841, OMIM 607483.

Submissions (2):

Labcorp Genetics (formerly Invitae), Labcorp
Classification: Uncertain significance for Biotin-responsive basal ganglia disease. Last evaluated: 2021-01-15. Review status: criteria provided, single submitter. Criteria: Invitae Variant Classification Sherloc (09022015). Collection method: clinical testing. Allele origin: germline.
Comment: This sequence change replaces tyrosine with aspartic acid at codon 298 of the SLC19A3 protein (p.Tyr298Asp). The tyrosine residue is highly conserved and there is a large physicochemical difference between tyrosine and aspartic acid. This variant is not present in population databases (ExAC no frequency). This variant has not been reported in the literature in individuals with SLC19A3-related conditions. Advanced modeling of protein sequence and biophysical properties (such as structural, functional, and spatial information, amino acid conservation, physicochemical variation, residue mobility, and thermodynamic stability) performed at Invitae indicates that this missense variant is expected to disrupt SLC19A3 protein function. In summary, the available evidence is currently insufficient to determine the role of this variant in disease. Therefore, it has been classified as a Variant of Uncertain Significance.

Kasturba Medical College, Manipal, Kasturba Medical College, Manipal, Manipal Academy of Higher Education, Manipal, India
Classification: Uncertain significance for Biotin-responsive basal ganglia disease. Review status: criteria provided, single submitter. Criteria: ACMG Guidelines, 2015. Collection method: clinical testing. Allele origin: biparental. Inheritance: Autosomal recessive inheritance. Affected: yes.